The following is an entry in ClinVar:

ClinVar aggregate classification (germline): Conflicting classifications of pathogenicity. Review status: criteria provided, conflicting classifications (1 of 4 stars). 2 submissions from 2 submitters: Uncertain significance (1); Likely benign (1). Last evaluated 2025-11-25.

Conditions:
Hereditary breast ovarian cancer syndrome. Also called: Hereditary breast and ovarian cancer; Hereditary breast and ovarian cancer syndrome (HBOC); Breast and ovarian cancer; Hereditary breast and/or ovarian cancer syndrome; BRCA1- and BRCA2-Associated Hereditary Breast and Ovarian Cancer; Hereditary breast and ovarian cancer syndrome. Identifiers: Orphanet 145, MedGen C0677776, MeSH D061325, MONDO:0003582. Disease mechanism: loss of function.
Hereditary cancer-predisposing syndrome. Also called: Neoplastic Syndromes, Hereditary; Tumor predisposition; Hereditary Cancer Syndrome; Hereditary neoplastic syndrome. Identifiers: Orphanet 140162, MedGen C0027672, MeSH D009386, MONDO:0015356.

Allele frequency attached by ClinVar (database versions not stated): gnomAD exomes below 0.00001.
gnomAD v4.1: 1 of 1,610,124 alleles (0.000062%); highest among the groups gnomAD compares: South Asian, 0.0011%; no homozygotes.

Submissions (3):

Labcorp Genetics (formerly Invitae), Labcorp
Classification: Uncertain significance for Hereditary breast ovarian cancer syndrome. Last evaluated: 2025-11-25. Review status: criteria provided, single submitter. Criteria: Invitae Variant Classification Sherloc (09022015). Collection method: clinical testing. Allele origin: germline.
Comment: This sequence change replaces leucine, which is neutral and non-polar, with phenylalanine, which is neutral and non-polar, at codon 1664 of the BRCA1 protein (p.Leu1664Phe). This variant is present in population databases (no rsID available, gnomAD 0.006%). This variant has not been reported in the literature in individuals affected with BRCA1-related conditions. ClinVar contains an entry for this variant (Variation ID: 868502). Invitae Evidence Modeling incorporating data from in vitro experimental studies (PMID: 30209399) indicates that this missense variant is not expected to disrupt BRCA1 function with a negative predictive value of 95%. In summary, the available evidence is currently insufficient to determine the role of this variant in disease. Therefore, it has been classified as a Variant of Uncertain Significance.

Ambry Genetics
Classification: Likely benign for Hereditary cancer-predisposing syndrome. Last evaluated: 2021-04-28. Review status: criteria provided, single submitter. Criteria: Ambry Variant Classification Scheme 2023. Collection method: clinical testing. Allele origin: germline.

Brotman Baty Institute, University of Washington
No classification provided (evidence only). Condition: Breast-ovarian cancer, familial 1. Review status: no classification provided. Collection method: in vitro. Allele origin: not applicable. Functional consequence: functionally_normal. Not counted in ClinVar's aggregate classification.
ClinVar note: "not provided" was previously submitted as the classification for the variant. However, the classification appeared to be based only on an observation of functional data so it was converted to no classification on 2025-07-30.

Literature cited by the submitters: PubMed 30209399 (cited by Labcorp Genetics (formerly Invitae), Labcorp).

NM_007294.4(BRCA1):c.4990C>T (p.Leu1664Phe)

Gene: BRCA1 (BRCA1 DNA repair associated; minus strand). Cytogenetic location: 17q21.31.
Variant type: single nucleotide variant.
Coding change: c.4990C>T on transcript NM_007294.4 (MANE Select); coding-DNA position 4990, C replaced by T.
Protein change: p.Leu1664Phe; replaces leucine 1664 with phenylalanine.
Molecular consequence: missense variant. On other transcripts: non-coding transcript variant (1).
Genome position (GRCh38, 1-based): chr17:43,067,692, G>A on the plus strand (C>T on the coding strand, the complement: BRCA1 is on the minus strand). VCF-style: chr17-43067692-G-A. GRCh37 (hg19) VCF-style: chr17-41219709-G-A.
Other names: c.4777C>T, p.Leu1593Phe (NM_001407571.1, NM_001407894.1, NM_001407908.1 and 12 more transcripts); c.5056C>T, p.Leu1686Phe (NM_001407581.1, NM_001407582.1); c.5053C>T, p.Leu1685Phe (NM_001407583.1, NM_001407585.1, NM_001407587.1 and 1 more transcripts); c.5050C>T, p.Leu1684Phe (NM_001407590.1, NM_001407591.1); c.4990C>T, p.Leu1664Phe (NM_001407593.1, NM_001407594.1, NM_001407596.1 and 8 more transcripts); c.4987C>T, p.Leu1663Phe (NM_001407615.1, NM_001407616.1, NM_001407617.1 and 17 more transcripts); c.4984C>T, p.Leu1662Phe (NM_001407634.1, NM_001407635.1, NM_001407636.1 and 14 more transcripts); c.4909C>T, p.Leu1637Phe (NM_001407656.1, NM_001407657.1, NM_001407658.1); and 70 more; short protein forms L560F, L1664F, L1685F, L1617F, L1368F, L1553F, L1576F, L1592F.
Identifiers: ClinVar variation 868502 (VCV000868502.6), dbSNP rs1467535423, ClinGen allele CA10591536.